The following is an entry in ClinVar:

NM_198525.3(KIF7):c.1804A>T (p.Arg602Trp)

Gene: KIF7 (kinesin family member 7; minus strand). Cytogenetic location: 15q26.1.
Variant type: single nucleotide variant.
Coding change: c.1804A>T on transcript NM_198525.3 (MANE Select); coding-DNA position 1804, A replaced by T.
Protein change: p.Arg602Trp; replaces arginine 602 with tryptophan.
Molecular consequence: missense variant.
Genome position (GRCh38, 1-based): chr15:89,646,011, T>A on the plus strand (A>T on the coding strand, the complement: KIF7 is on the minus strand). VCF-style: chr15-89646011-T-A. GRCh37 (hg19) VCF-style: chr15-90189242-T-A.
Other names: c.1804A>T (NM_198525.2); short protein forms R602W.
Identifiers: ClinVar variation 2077347 (VCV002077347.7), dbSNP rs756170615, ClinGen allele CA7728440.

ClinVar aggregate classification (germline): Uncertain significance. Review status: criteria provided, multiple submitters, no conflicts (2 of 4 stars). 4 submissions from 4 submitters: Uncertain significance (4). Last evaluated 2025-07-31.

Conditions:
Acrocallosal syndrome (ACLS). Also called: HALLUX DUPLICATION, POSTAXIAL POLYDACTYLY, AND ABSENCE OF CORPUS CALLOSUM; Schinzel syndrome 1; Absence of corpus callosum with unusual facial appearance, mental deficiency, duplication of the halluces and polydactyly. Identifiers: Orphanet 36, MedGen C0796147, MONDO:0008708, OMIM 200990.
Multiple epiphyseal dysplasia, Al-Gazali type. Also called: Macrocephaly with multiple epiphyseal dysplasia and distinctive facies. Identifiers: Orphanet 166024, MedGen C1846722, MONDO:0011778, OMIM 607131.
Hydrolethalus syndrome 2 (HLS2). Identifiers: Orphanet 2189, MedGen C3279899, MONDO:0013585, OMIM 614120.
Inborn genetic diseases. Identifiers: MedGen C0950123, MeSH D030342.

Allele frequency attached by ClinVar (database versions not stated): TOPMed below 0.00001; ExAC 0.00001; gnomAD 0.00002.
gnomAD v4.1: 8 of 1,613,828 alleles (0.0005%); highest among the groups gnomAD compares: Admixed American, 0.0067%; no homozygotes.

Submissions (4):

GeneDx
Classification: Uncertain significance. Last evaluated: 2025-07-31. Review status: criteria provided, single submitter. Criteria: GeneDx Variant Classification Process June 2021. Collection method: clinical testing. Allele origin: germline. Affected: yes.
Comment: Not observed at significant frequency in large population cohorts (gnomAD); In silico analysis suggests that this missense variant does not alter protein structure/function; Has not been previously published as pathogenic or benign to our knowledge

Ambry Genetics
Classification: Uncertain significance for Inborn genetic diseases. Last evaluated: 2025-03-20. Review status: criteria provided, single submitter. Criteria: Ambry Variant Classification Scheme 2023. Collection method: clinical testing. Allele origin: germline.

Fulgent Genetics
Classification: Uncertain significance for Acrocallosal syndrome; Multiple epiphyseal dysplasia, Al-Gazali type; Hydrolethalus syndrome 2. Last evaluated: 2024-06-12. Review status: criteria provided, single submitter. Criteria: ACMG Guidelines, 2015. Collection method: clinical testing. Allele origin: germline.

Labcorp Genetics (formerly Invitae), Labcorp
Classification: Uncertain significance for Acrocallosal syndrome. Last evaluated: 2022-07-19. Review status: criteria provided, single submitter. Criteria: Invitae Variant Classification Sherloc (09022015). Collection method: clinical testing. Allele origin: germline.
Comment: This variant has not been reported in the literature in individuals affected with KIF7-related conditions. In summary, the available evidence is currently insufficient to determine the role of this variant in disease. Therefore, it has been classified as a Variant of Uncertain Significance. Algorithms developed to predict the effect of missense changes on protein structure and function are either unavailable or do not agree on the potential impact of this missense change (SIFT: "Deleterious"; PolyPhen-2: "Benign"; Align-GVGD: "Class C0"). This variant is present in population databases (rs756170615, gnomAD 0.006%). This sequence change replaces arginine, which is basic and polar, with tryptophan, which is neutral and slightly polar, at codon 602 of the KIF7 protein (p.Arg602Trp).